The following is an entry in ClinVar:

ClinVar aggregate classification (germline): Uncertain significance (1 of 4 stars; one submission).

Conditions:
Malignant hyperthermia, susceptibility to, 1 (MHS1). Also called: Anesthesia related hyperthermia; Malignant hyperpyrexia; Fulminating hyperpyrexia; Pharmacogenic myopathy; RYR1-Related Malignant Hyperthermia Susceptibility; Malignant hyperthermia suceptibility 1. Identifiers: Orphanet 423, MedGen C2930980, MONDO:0007783, OMIM 145600.

Submission:

All of Us Research Program, National Institutes of Health
Classification: Uncertain significance for Malignant hyperthermia, susceptibility to, 1. Last evaluated: 2023-05-04. Review status: criteria provided, single submitter. Criteria: ACMG Guidelines, 2015. Collection method: clinical testing. Allele origin: germline. Inheritance: Autosomal dominant inheritance. Observed: 1 variant allele, 1 heterozygote.
Comment: This missense variant replaces threonine with proline at codon 1275 of the RYR1 protein. Computational prediction suggests that this variant may have deleterious impact on protein structure and function (internally defined REVEL score threshold >= 0.7, PMID: 27666373). To our knowledge, functional studies have not been reported for this variant. This variant has not been reported in individuals affected with RYR1-related disorders in the literature. This variant has not been identified in the general population by the Genome Aggregation Database (gnomAD). The available evidence is insufficient to determine the role of this variant in disease conclusively. Therefore, this variant is classified as a Variant of Uncertain Significance.

This study involves interpretation of variants in research participants for the purpose of population health screening. Participant phenotype was not available at the time of variant classification. Additional details can be found in publication PMID: 35346344, PMCID: PMC8962531

NM_000540.3(RYR1):c.3823A>C (p.Thr1275Pro)

Gene: RYR1 (ryanodine receptor 1; plus strand). Cytogenetic location: 19q13.2.
Variant type: single nucleotide variant.
Coding change: c.3823A>C on transcript NM_000540.3 (MANE Select); coding-DNA position 3823, A replaced by C.
Protein change: p.Thr1275Pro; replaces threonine 1275 with proline.
Molecular consequence: missense variant.
Genome position (GRCh38, 1-based): chr19:38,473,434, A>C. VCF-style: chr19-38473434-A-C. GRCh37 (hg19) VCF-style: chr19-38964074-A-C.
Other names: c.3823A>C, p.Thr1275Pro (NM_001042723.2); short protein forms T1275P.
Identifiers: ClinVar variation 3070774 (VCV003070774.1), dbSNP rs1568469574, ClinGen allele CA405641571.
Genomic context (GRCh38, chr19:38,473,434, plus strand): 5'-CAGGTATCCCGAGTGGACGGCACTGTGGACACGCCCCCCTGCCTGCGCCTGACCCACCGC[A>C]CCTGGGGCTCCCAGAACAGCCTGGTGGAGATGCTTTTCCTGCGGCTGAGCCTCCCAGTCC-3'
Protein context (NP_000531.2, residues 1265-1285): TPPCLRLTHR[Thr1275Pro]WGSQNSLVEM